The following is an entry in ClinVar:

ClinVar aggregate classification (germline): Pathogenic (1 of 4 stars; one submission).

Submission:

Labcorp Genetics (formerly Invitae), Labcorp
Classification: Pathogenic. Last evaluated: 2025-11-05. Review status: criteria provided, single submitter. Criteria: Invitae Variant Classification Sherloc (09022015). Collection method: clinical testing. Allele origin: germline.
Comment: This sequence change creates a premature translational stop signal (p.Ser1442*) in the EYS gene. It is expected to result in an absent or disrupted protein product. Loss-of-function variants in EYS are known to be pathogenic (PMID: 18836446, 20333770). This variant is not present in population databases (gnomAD no frequency). This variant has not been reported in the literature in individuals affected with EYS-related conditions. For these reasons, this variant has been classified as Pathogenic.

Literature cited by the submitters: PubMed 18836446; PubMed 20333770.

NM_001142800.2(EYS):c.4325C>A (p.Ser1442Ter)

Gene: EYS (EGF-like photoreceptor maintenance factor; minus strand). Cytogenetic location: 6q12.
Variant type: single nucleotide variant.
Coding change: c.4325C>A on transcript NM_001142800.2 (MANE Select); coding-DNA position 4325, C replaced by A.
Protein change: p.Ser1442Ter; replaces serine 1442 with a stop codon.
Molecular consequence: nonsense.
Genome position (GRCh38, 1-based): chr6:64,591,542, G>T on the plus strand (C>A on the coding strand, the complement: EYS is on the minus strand). VCF-style: chr6-64591542-G-T. GRCh37 (hg19) VCF-style: chr6-65301435-G-T.
Other names: c.4325C>A, p.Ser1442Ter (NM_001292009.2); short protein forms S1442*.
Identifiers: ClinVar variation 4730576 (VCV004730576.1).